The following is an entry in ClinVar:

NM_001018111.3(PODXL):c.724C>T (p.His242Tyr)

Gene: PODXL (podocalyxin like; minus strand). Cytogenetic location: 7q32.3.
Variant type: single nucleotide variant.
Coding change: c.724C>T on transcript NM_001018111.3 (MANE Select); coding-DNA position 724, C replaced by T.
Protein change: p.His242Tyr; replaces histidine 242 with tyrosine.
Molecular consequence: missense variant. On other transcripts: intron variant (1).
Genome position (GRCh38, 1-based): chr7:131,510,314, G>A on the plus strand (C>T on the coding strand, the complement: PODXL is on the minus strand). VCF-style: chr7-131510314-G-A. GRCh37 (hg19) VCF-style: chr7-131195073-G-A.
Other names: c.706+514C>T (NM_005397.4); short protein forms H242Y.
Identifiers: ClinVar variation 4821369 (VCV004821369.4).

ClinVar aggregate classification (germline): Likely benign (1 of 4 stars; one submission).

gnomAD v4.1: 340 of 285,132 alleles (0.12%); highest among the groups gnomAD compares: Middle Eastern, 0.14%; 3 homozygotes.

Submission:

CeGaT Center for Human Genetics Tuebingen
Classification: Likely benign. Last evaluated: 2026-03-01. Review status: criteria provided, single submitter. Criteria: CeGaT Center For Human Genetics Tuebingen Variant Classification Criteria Version 2. Collection method: clinical testing. Allele origin: germline. Affected: yes. Observed: 1 variant allele.
Comment: PODXL: BP4